The following is an entry in ClinVar:

NM_001378457.1(DMXL2):c.524T>C (p.Met175Thr)

Gene: DMXL2 (Dmx like 2; minus strand). Cytogenetic location: 15q21.2.
Variant type: single nucleotide variant.
Coding change: c.524T>C on transcript NM_001378457.1 (MANE Select); coding-DNA position 524, T replaced by C.
Protein change: p.Met175Thr; replaces methionine 175 with threonine.
Molecular consequence: missense variant. On other transcripts: non-coding transcript variant (2).
Genome position (GRCh38, 1-based): chr15:51,563,424, A>G on the plus strand (T>C on the coding strand, the complement: DMXL2 is on the minus strand). VCF-style: chr15-51563424-A-G. GRCh37 (hg19) VCF-style: chr15-51855621-A-G.
Other names: c.524T>C, p.Met175Thr (NM_001378460.1, NM_001378461.1, NM_001378462.1 and 7 more transcripts); c.524T>C (NM_001174116.1); short protein forms M175T.
Identifiers: ClinVar variation 3616668 (VCV003616668.3).
Genomic context (GRCh38, chr15:51,563,424, plus strand): 5'-TTTGTTTGATCCTTTACCTTTCCAGCAGTAGCAAAATATTCACCATCAGGAGACCATTCC[A>G]TCAAATGTACAGATACTGAGGTTCTAAAAAAGAGAGAGTTAGGCAATTAGCCCTTTTAAA-3'
Protein context (NP_001365386.1, residues 165-185): QCKTSVSVHL[Met175Thr]EWSPDGEYFA

ClinVar aggregate classification (germline): Uncertain significance. Review status: criteria provided, multiple submitters, no conflicts (2 of 4 stars). 2 submissions from 2 submitters: Uncertain significance (2). Last evaluated 2025-04-13.

Conditions:
Inborn genetic diseases. Identifiers: MedGen C0950123, MeSH D030342.

Submissions (2):

Ambry Genetics
Classification: Uncertain significance for Inborn genetic diseases. Last evaluated: 2025-04-13. Review status: criteria provided, single submitter. Criteria: Ambry Variant Classification Scheme 2023. Collection method: clinical testing. Allele origin: germline.

Labcorp Genetics (formerly Invitae), Labcorp
Classification: Uncertain significance. Last evaluated: 2024-10-17. Review status: criteria provided, single submitter. Criteria: Invitae Variant Classification Sherloc (09022015). Collection method: clinical testing. Allele origin: germline.
Comment: This sequence change replaces methionine, which is neutral and non-polar, with threonine, which is neutral and polar, at codon 175 of the DMXL2 protein (p.Met175Thr). The frequency data for this variant in the population databases is considered unreliable, as metrics indicate poor data quality at this position in the gnomAD database. This variant has not been reported in the literature in individuals affected with DMXL2-related conditions. An algorithm developed to predict the effect of missense changes on protein structure and function (PolyPhen-2) suggests that this variant is likely to be tolerated. In summary, the available evidence is currently insufficient to determine the role of this variant in disease. Therefore, it has been classified as a Variant of Uncertain Significance.